The following is an entry in ClinVar:

NM_001077350.3(NPRL3):c.1380C>A (p.Ser460Arg)

Genes: HBA-LCR (alpha-globin locus control region; plus strand), NPRL3 (NPR3 like, GATOR1 complex subunit; minus strand). Cytogenetic location: 16p13.3.
Variant type: single nucleotide variant.
Coding change: c.1380C>A on transcript NM_001077350.3 (MANE Select); coding-DNA position 1380, C replaced by A.
Protein change: p.Ser460Arg; replaces serine 460 with arginine.
Molecular consequence: missense variant.
Genome position (GRCh38, 1-based): chr16:88,862, G>T on the plus strand (C>A on the coding strand, the complement: NPRL3 is on the minus strand). VCF-style: chr16-88862-G-T. GRCh37 (hg19) VCF-style: chr16-138860-G-T.
Other names: c.843C>A, p.Ser281Arg (NM_001039476.3); c.1146C>A, p.Ser382Arg (NM_001243247.2); c.1305C>A, p.Ser435Arg (NM_001243248.2, NM_001243249.2); short protein forms S281R, S382R, S435R, S460R.
Identifiers: ClinVar variation 1311950 (VCV001311950.2), dbSNP rs2141900102, ClinGen allele CA394049701.

ClinVar aggregate classification (germline): Uncertain significance (1 of 4 stars; one submission).

Submission:

GeneDx
Classification: Uncertain significance. Last evaluated: 2020-01-07. Review status: criteria provided, single submitter. Criteria: GeneDx Variant Classification Process June 2021. Collection method: clinical testing. Allele origin: germline. Affected: yes.
Comment: Not observed in large population cohorts (Lek et al., 2016); In silico analysis, which includes protein predictors and evolutionary conservation, supports that this variant does not alter protein structure/function; Has not been previously published as pathogenic or benign to our knowledge